The following is an entry in ClinVar:

NM_000063.6(C2):c.1829_1832del (p.Lys610fs)

Gene: C2 (complement C2; plus strand). Cytogenetic location: 6p21.33.
Variant type: Microsatellite.
Coding change: c.1829_1832del on transcript NM_000063.6 (MANE Select); coding-DNA positions 1829 to 1832, 4 bases deleted (AACA; older notation c.1829_1832delAACA).
Protein change: p.Lys610fs; shifts the reading frame from lysine 610.
Molecular consequence: frameshift variant.
Genome position (GRCh38, 1-based): chr6:31,944,153-31,944,156, AACA deleted; deleting any 4 consecutive bases within chr6:31,944,149-31,944,156 gives the same sequence; the c. name uses the placement nearest the transcript's 3' end. VCF-style (leftmost placement, unchanged base first): chr6-31944148-GAACA-G. GRCh37 (hg19) VCF-style: chr6-31911925-GAACA-G.
Other names: p.Lys610Argfs*10; c.1433_1436del, p.Lys478fs (NM_001145903.3); c.1187_1190del, p.Lys396fs (NM_001178063.3); c.1091_1094del, p.Lys364fs (NM_001282457.2); c.1742_1745del, p.Lys581fs (NM_001282458.2); short protein forms K364fs, K396fs, K478fs, K581fs, K610fs.
Identifiers: ClinVar variation 3381002 (VCV003381002.2).

ClinVar aggregate classification (germline): Likely pathogenic. Review status: criteria provided, multiple submitters, no conflicts (2 of 4 stars). 2 submissions from 2 submitters: Likely pathogenic (2). Last evaluated 2024-04-24.

Conditions:
Complement component 2 deficiency (C2D). Also called: C2 deficiency. Identifiers: MedGen C0398756, MONDO:0009006, OMIM 217000.

Submissions (2):

Mayo Clinic Laboratories, Mayo Clinic
Classification: Likely pathogenic. Last evaluated: 2024-04-24. Review status: criteria provided, single submitter. Criteria: ACMG Guidelines, 2015. Collection method: clinical testing. Allele origin: germline. Observed: 1 variant allele.
Comment: PM2, PVS1

Department of Pathology and Laboratory Medicine, Sinai Health System
Classification: Likely pathogenic for complement component 2 deficiency. Last evaluated: 2022-11-29. Review status: criteria provided, single submitter. Criteria: ACMG Guidelines, 2015. Collection method: research. Allele origin: germline.

Literature cited by the submitters: PubMed 17234210 (cited by Mayo Clinic Laboratories, Mayo Clinic).